The following is an entry in ClinVar:

NM_001136193.2(FASTKD2):c.1687C>G (p.Pro563Ala)

Gene: FASTKD2 (FAST kinase domains 2; plus strand). Cytogenetic location: 2q33.3.
Variant type: single nucleotide variant.
Coding change: c.1687C>G on transcript NM_001136193.2 (MANE Select); coding-DNA position 1687, C replaced by G.
Protein change: p.Pro563Ala; replaces proline 563 with alanine.
Molecular consequence: missense variant.
Genome position (GRCh38, 1-based): chr2:206,788,029, C>G. VCF-style: chr2-206788029-C-G. GRCh37 (hg19) VCF-style: chr2-207652753-C-G.
Other names: c.1687C>G, p.Pro563Ala (NM_001136194.2, NM_014929.4); short protein forms P563A.
Identifiers: ClinVar variation 2012988 (VCV002012988.4), dbSNP rs1206664787, ClinGen allele CA350082576.

ClinVar aggregate classification (germline): Uncertain significance (1 of 4 stars; one submission).

Allele frequency attached by ClinVar (database versions not stated): gnomAD exomes below 0.00001.

Submission:

Labcorp Genetics (formerly Invitae), Labcorp
Classification: Uncertain significance. Last evaluated: 2022-07-06. Review status: criteria provided, single submitter. Criteria: Invitae Variant Classification Sherloc (09022015). Collection method: clinical testing. Allele origin: germline.
Comment: This sequence change replaces proline, which is neutral and non-polar, with alanine, which is neutral and non-polar, at codon 563 of the FASTKD2 protein (p.Pro563Ala). This variant is present in population databases (no rsID available, gnomAD 0.003%). In summary, the available evidence is currently insufficient to determine the role of this variant in disease. Therefore, it has been classified as a Variant of Uncertain Significance. Algorithms developed to predict the effect of missense changes on protein structure and function are either unavailable or do not agree on the potential impact of this missense change (SIFT: "Tolerated"; PolyPhen-2: "Probably Damaging"; Align-GVGD: "Class C0"). This variant has not been reported in the literature in individuals affected with FASTKD2-related conditions.